The following is an entry in ClinVar:

ClinVar aggregate classification (germline): Uncertain significance (1 of 4 stars; one submission).

Conditions:
Epileptic encephalopathy. Identifiers: MedGen C0543888, HP:0200134.

Submission:

Labcorp Genetics (formerly Invitae), Labcorp
Classification: Uncertain significance for Epileptic encephalopathy. Last evaluated: 2023-04-22. Review status: criteria provided, single submitter. Criteria: Invitae Variant Classification Sherloc (09022015). Collection method: clinical testing. Allele origin: germline.
Comment: In summary, the available evidence is currently insufficient to determine the role of this variant in disease. Therefore, it has been classified as a Variant of Uncertain Significance. An algorithm developed to predict the effect of missense changes on protein structure and function (PolyPhen-2) suggests that this variant is likely to be tolerated. This variant has not been reported in the literature in individuals affected with FASN-related conditions. This variant is not present in population databases (gnomAD no frequency). This sequence change replaces proline, which is neutral and non-polar, with alanine, which is neutral and non-polar, at codon 480 of the FASN protein (p.Pro480Ala).

NM_004104.5(FASN):c.1438C>G (p.Pro480Ala)

Gene: FASN (fatty acid synthase; minus strand). Cytogenetic location: 17q25.3.
Variant type: single nucleotide variant.
Coding change: c.1438C>G on transcript NM_004104.5 (MANE Select); coding-DNA position 1438, C replaced by G.
Protein change: p.Pro480Ala; replaces proline 480 with alanine.
Molecular consequence: missense variant.
Genome position (GRCh38, 1-based): chr17:82,091,276, G>C on the plus strand (C>G on the coding strand, the complement: FASN is on the minus strand). VCF-style: chr17-82091276-G-C. GRCh37 (hg19) VCF-style: chr17-80049152-G-C.
Other names: short protein forms P480A.
Identifiers: ClinVar variation 2895820 (VCV002895820.3), dbSNP rs2509843154, ClinGen allele CA401560458.
Genomic context (GRCh38, chr17:82,091,276, plus strand): 5'-GCTCACCAGAGCAGATGAACCAGAGCGGGCGCTCGCCAGCGGGCACCTGCTGCACCTCTG[G>C]GCCACCGCGCTCACCACCCAGCACAGCGTAGCCACGGAAGGGCATGGCGGTGGCGGGGAC-3'
Protein context (NP_004095.4, residues 470-490): YAVLGGERGG[Pro480Ala]EVQQVPAGER